The following is an entry in ClinVar:

NM_001080467.3(MYO5B):c.4145C>T (p.Thr1382Met)

Gene: MYO5B (myosin VB; minus strand). Cytogenetic location: 18q21.1.
Variant type: single nucleotide variant.
Coding change: c.4145C>T on transcript NM_001080467.3 (MANE Select); coding-DNA position 4145, C replaced by T.
Protein change: p.Thr1382Met; replaces threonine 1382 with methionine.
Molecular consequence: missense variant.
Genome position (GRCh38, 1-based): chr18:49,853,525, G>A on the plus strand (C>T on the coding strand, the complement: MYO5B is on the minus strand). VCF-style: chr18-49853525-G-A. GRCh37 (hg19) VCF-style: chr18-47379895-G-A.
Other names: p.Thr1382Met; short protein forms T1382M.
Identifiers: ClinVar variation 327015 (VCV000327015.17), dbSNP rs145598498, ClinGen allele CA8960456.

ClinVar aggregate classification (germline): Benign. Review status: criteria provided, multiple submitters, no conflicts (2 of 4 stars). 5 submissions from 5 submitters: Benign (5). Last evaluated 2026-02-02.

Conditions:
Congenital microvillous atrophy (DIAR2). Also called: DAVIDSON DISEASE; MICROVILLUS ATROPHY, CONGENITAL; Microvillus inclusion disease; Diarrhea 2 with microvillus atrophy, with or without cholestasis; CONGENITAL FAMILIAL PROTRACTED DIARRHEA WITH ENTEROCYTE BRUSH-BORDER ABNORMALITIES. Identifiers: Orphanet 2290, MedGen C0341306, MONDO:0009635, OMIM 251850.

Allele frequency attached by ClinVar (database versions not stated): gnomAD 0.00607 and 0.00954; ESP Exome Variant Server 0.00638; TOPMed 0.00710; gnomAD exomes 0.01088 and 0.01877; ExAC 0.02055; 1000 Genomes Project 30x 0.02998; 1000 Genomes Project 0.03035.
gnomAD v4.1: 17,461 of 1,614,188 alleles (1.1%); highest among the groups gnomAD compares: South Asian, 12%; 798 homozygotes.

Submissions (5):

Labcorp Genetics (formerly Invitae), Labcorp
Classification: Benign. Last evaluated: 2026-02-02. Review status: criteria provided, single submitter. Criteria: Invitae Variant Classification Sherloc (09022015). Collection method: clinical testing. Allele origin: germline.

Mayo Clinic Laboratories, Mayo Clinic
Classification: Benign. Last evaluated: 2024-06-10. Review status: criteria provided, single submitter. Criteria: ACMG Guidelines, 2015. Collection method: clinical testing. Allele origin: germline. Observed: 4 variant alleles.

GeneDx
Classification: Benign. Last evaluated: 2021-06-09. Review status: criteria provided, single submitter. Criteria: GeneDx Variant Classification Process June 2021. Collection method: clinical testing. Allele origin: germline. Affected: yes.

Illumina Laboratory Services, Illumina
Classification: Benign for Congenital microvillous atrophy. Last evaluated: 2018-01-13. Review status: criteria provided, single submitter. Criteria: ICSL Variant Classification Criteria 13 December 2019. Collection method: clinical testing. Allele origin: germline.
Comment: This variant was observed in the ICSL laboratory as part of a predisposition screen in an ostensibly healthy population. It had not been previously curated by ICSL or reported in the Human Gene Mutation Database (HGMD: prior to June 1st, 2018), and was therefore a candidate for classification through an automated scoring system. Utilizing variant allele frequency, disease prevalence and penetrance estimates, and inheritance mode, an automated score was calculated to assess if this variant is too frequent to cause the disease. Based on the score and internal cut-off values, a variant classified as benign is not then subjected to further curation. The score for this variant resulted in a classification of benign for this disease.

Breakthrough Genomics
Classification: Benign. Review status: criteria provided, single submitter. Criteria: ACMG Guidelines, 2015. Collection method: not provided. Allele origin: germline. Inheritance: Autosomal recessive inheritance. Affected: yes.